The following is an entry in ClinVar:

ClinVar aggregate classification (germline): Likely pathogenic (1 of 4 stars; one submission).

Submission:

Labcorp Genetics (formerly Invitae), Labcorp
Classification: Likely pathogenic. Last evaluated: 2022-08-02. Review status: criteria provided, single submitter. Criteria: Invitae Variant Classification Sherloc (09022015). Collection method: clinical testing. Allele origin: germline.
Comment: This sequence change affects a donor splice site in intron 17 of the CACNA1B gene. It is expected to disrupt RNA splicing. Variants that disrupt the donor or acceptor splice site typically lead to a loss of protein function (PMID: 16199547), and loss-of-function variants in CACNA1B are known to be pathogenic (PMID: 30982612). This variant is not present in population databases (gnomAD no frequency). This variant has not been reported in the literature in individuals affected with CACNA1B-related conditions. Algorithms developed to predict the effect of sequence changes on RNA splicing suggest that this variant may disrupt the consensus splice site. In summary, the currently available evidence indicates that the variant is pathogenic, but additional data are needed to prove that conclusively. Therefore, this variant has been classified as Likely Pathogenic.

Literature cited by the submitters: PubMed 16199547; PubMed 30982612.

NM_000718.4(CACNA1B):c.2160+1G>A

Gene: CACNA1B (calcium voltage-gated channel subunit alpha1 B; plus strand). Cytogenetic location: 9q34.3.
Variant type: single nucleotide variant.
Coding change: c.2160+1G>A on transcript NM_000718.4 (MANE Select); the canonical splice donor site of the intron after coding-DNA position 2160, G replaced by A.
Molecular consequence: splice donor variant.
Genome position (GRCh38, 1-based): chr9:138,010,078, G>A. VCF-style: chr9-138010078-G-A. GRCh37 (hg19) VCF-style: chr9-140904530-G-A.
Other names: c.2160+1G>A (NM_001243812.2).
Identifiers: ClinVar variation 2021122 (VCV002021122.4), dbSNP rs2539345198, ClinGen allele CA375808765.
Genomic context (GRCh38, chr9:138,010,078, plus strand): 5'-CTGAATGTCTTTCTGGCCATCGCTGTGGACAACCTGGCCAACGCCCAAGAGCTGACCAAG[G>A]TAGGTGGCGACAGGGAGGGACCGGTGTCAGCCCATGTCACTTGAATGTGGCCGCAGCCAG-3'